The following is an entry in ClinVar:

ClinVar aggregate classification (germline): Uncertain significance (1 of 4 stars; one submission).

Conditions:
Hereditary cancer-predisposing syndrome. Also called: Neoplastic Syndromes, Hereditary; Tumor predisposition; Hereditary Cancer Syndrome; Hereditary neoplastic syndrome. Identifiers: Orphanet 140162, MedGen C0027672, MeSH D009386, MONDO:0015356.

Submission:

Ambry Genetics
Classification: Uncertain significance for Hereditary cancer-predisposing syndrome. Last evaluated: 2024-07-08. Review status: criteria provided, single submitter. Criteria: Ambry Variant Classification Scheme 2023. Collection method: clinical testing. Allele origin: germline.
Comment: The p.F2144L variant (also known as c.6432C>A), located in coding exon 46 of the POLE gene, results from a C to A substitution at nucleotide position 6432. The phenylalanine at codon 2144 is replaced by leucine, an amino acid with highly similar properties. This amino acid position is conserved. In addition, the in silico prediction for this alteration is inconclusive. Based on the available evidence, the clinical significance of this variant remains unclear.

NM_006231.4(POLE):c.6432C>A (p.Phe2144Leu)

Gene: POLE (DNA polymerase epsilon, catalytic subunit; minus strand). Cytogenetic location: 12q24.33.
Variant type: single nucleotide variant.
Coding change: c.6432C>A on transcript NM_006231.4 (MANE Select); coding-DNA position 6432, C replaced by A.
Protein change: p.Phe2144Leu; replaces phenylalanine 2144 with leucine.
Molecular consequence: missense variant.
Genome position (GRCh38, 1-based): chr12:132,626,216, G>T on the plus strand (C>A on the coding strand, the complement: POLE is on the minus strand). VCF-style: chr12-132626216-G-T. GRCh37 (hg19) VCF-style: chr12-133202802-G-T.
Other names: short protein forms F2144L.
Identifiers: ClinVar variation 3422110 (VCV003422110.1).
Genomic context (GRCh38, chr12:132,626,216, plus strand): 5'-GCAGAAGTTACAGCTGCGGCAGATGACCTCAGGAAGCACGTAGGAGCGGCAGGGGTCTCG[G>T]AACTGGGCCTCCTCGGAGAACTCGCCGACATCCACCAGGCGAAGCAGGTCTCGGTTCAGC-3'
Protein context (NP_006222.2, residues 2134-2154): DVGEFSEEAQ[Phe2144Leu]RDPCRSYVLP